The following is an entry in ClinVar:

ClinVar aggregate classification (germline): Benign (1 of 4 stars; one submission).

Allele frequency attached by ClinVar (database versions not stated): gnomAD 0.02050 and 0.02212; TOPMed 0.02267; 1000 Genomes Project 0.02596; 1000 Genomes Project 30x 0.02701.
gnomAD v4.1: 3,090 of 152,178 alleles (2%); highest among the groups gnomAD compares: African/African-American, 7%; 109 homozygotes.

Submission:

GeneDx
Classification: Benign. Last evaluated: 2018-06-16. Review status: criteria provided, single submitter. Criteria: GeneDx Variant Classification (06012015). Collection method: clinical testing. Allele origin: germline. Affected: yes.
Comment: This variant is considered likely benign or benign based on one or more of the following criteria: it is a conservative change, it occurs at a poorly conserved position in the protein, it is predicted to be benign by multiple in silico algorithms, and/or has population frequency not consistent with disease.

NM_001035.3(RYR2):c.13782+261G>A

Gene: RYR2 (ryanodine receptor 2; plus strand). Cytogenetic location: 1q43.
Variant type: single nucleotide variant.
Coding change: c.13782+261G>A on transcript NM_001035.3 (MANE Select); 261 bases into the intron after coding-DNA position 13782, G replaced by A.
Molecular consequence: intron variant.
Genome position (GRCh38, 1-based): chr1:237,792,584, G>A. VCF-style: chr1-237792584-G-A. GRCh37 (hg19) VCF-style: chr1-237955884-G-A.
Identifiers: ClinVar variation 669566 (VCV000669566.1), dbSNP rs111665448, ClinGen allele CA39832674.
Genomic context (GRCh38, chr1:237,792,584, plus strand): 5'-TGGAGGAAGGATGGGACAGAGGGGAAAGCTGGGCTACTGTAGACAGACACAGCAGGTGCC[G>A]TCTCCAAAGCTGGGATGCCCCTTCAGGGCTGTCCTGGCCTGGGGCATTGGAGCCTGGCCT-3'